The following is an entry in ClinVar:

ClinVar aggregate classification (germline): Uncertain significance (1 of 4 stars; one submission).

Conditions:
Bethlem myopathy 1A. Also called: MYOPATHY, BENIGN CONGENITAL, WITH CONTRACTURES; Bethlem myopathy 1; Bethlem Muscular Dystrophy. Identifiers: Orphanet 610, MedGen CN029274, MONDO:0024530, OMIM 158810.

Submission:

Labcorp Genetics (formerly Invitae), Labcorp
Classification: Uncertain significance for Bethlem myopathy 1A. Last evaluated: 2025-06-04. Review status: criteria provided, single submitter. Criteria: Invitae Variant Classification Sherloc (09022015). Collection method: clinical testing. Allele origin: germline.
Comment: This sequence change replaces proline, which is neutral and non-polar, with glutamine, which is neutral and polar, at codon 343 of the COL6A1 protein (p.Pro343Gln). This variant is not present in population databases (gnomAD no frequency). This variant has not been reported in the literature in individuals affected with COL6A1-related conditions. Invitae Evidence Modeling of protein sequence and biophysical properties (such as structural, functional, and spatial information, amino acid conservation, physicochemical variation, residue mobility, and thermodynamic stability) indicates that this missense variant is not expected to disrupt COL6A1 protein function with a negative predictive value of 95%. In summary, the available evidence is currently insufficient to determine the role of this variant in disease. Therefore, it has been classified as a Variant of Uncertain Significance.

NM_001848.3(COL6A1):c.1028C>A (p.Pro343Gln)

Gene: COL6A1 (collagen type VI alpha 1 chain; plus strand). Cytogenetic location: 21q22.3.
Variant type: single nucleotide variant.
Coding change: c.1028C>A on transcript NM_001848.3 (MANE Select); coding-DNA position 1028, C replaced by A.
Protein change: p.Pro343Gln; replaces proline 343 with glutamine.
Molecular consequence: missense variant.
Genome position (GRCh38, 1-based): chr21:45,990,798, C>A. VCF-style: chr21-45990798-C-A. GRCh37 (hg19) VCF-style: chr21-47410712-C-A.
Other names: short protein forms P343Q.
Identifiers: ClinVar variation 4737688 (VCV004737688.1).
Genomic context (GRCh38, chr21:45,990,798, plus strand): 5'-GCCGTCAGATTTTCTAGTTTTCTTCCTCTTTCCAGGGGGAGATGGGGTACCCAGGCCTGC[C>A]AGGCTGCAAGGGCTCGCCCGGGTTTGACGTAAGTCACTTCCTCTCACTGATACTTTAAAA-3'
Protein context (NP_001839.2, residues 333-353): VKGEMGYPGL[Pro343Gln]GCKGSPGFDG